The following is an entry in ClinVar:

NM_000278.5(PAX2):c.225del (p.Gly76fs)

Gene: PAX2 (paired box 2; plus strand). Cytogenetic location: 10q24.31.
Variant type: Deletion.
Coding change: c.225del on transcript NM_000278.5 (MANE Select); coding-DNA position 225, one base deleted (C; older notation c.225delC).
Protein change: p.Gly76fs; shifts the reading frame from glycine 76.
Molecular consequence: frameshift variant.
Genome position (GRCh38, 1-based): chr10:100,750,706, C deleted; the last of 2 consecutive C bases (chr10:100,750,705-100,750,706); deleting either gives the same sequence. VCF-style (leftmost placement, unchanged base first): chr10-100750704-AC-A. GRCh37 (hg19) VCF-style: chr10-102510461-AC-A.
Other names: c.318del, p.Gly107fs (NM_001304569.2); c.225del, p.Gly76fs (NM_003987.5, NM_003988.5, NM_003989.5 and 1 more transcripts); short protein forms G107fs, G76fs.
Identifiers: ClinVar variation 2027274 (VCV002027274.4), dbSNP rs2492898853, ClinGen allele CA2580081093.

ClinVar aggregate classification (germline): Pathogenic (1 of 4 stars; one submission).

Conditions:
Focal segmental glomerulosclerosis 7 (FSGS7). Identifiers: Orphanet 656, MedGen C4014925, MONDO:0014451, OMIM 616002.
Renal coloboma syndrome (PAPRS). Also called: COLOBOMA OF OPTIC NERVE WITH RENAL DISEASE; OPTIC COLOBOMA, VESICOURETERAL REFLUX, AND RENAL ANOMALIES; OPTIC NERVE COLOBOMA WITH RENAL DISEASE; RENAL-COLOBOMA SYNDROME WITH MACULAR ABNORMALITIES; PAPILLORENAL SYNDROME WITH MILD OCULAR ABNORMALITIES; CONGENITAL ANOMALIES OF THE KIDNEY AND URINARY TRACT WITH OR WITHOUT OCULAR ABNORMALITIES. Identifiers: Orphanet 1475, MedGen C1852759, MONDO:0007352, OMIM 120330.

Submission:

Labcorp Genetics (formerly Invitae), Labcorp
Classification: Pathogenic for Renal coloboma syndrome; Focal segmental glomerulosclerosis 7. Last evaluated: 2022-08-27. Review status: criteria provided, single submitter. Criteria: Invitae Variant Classification Sherloc (09022015). Collection method: clinical testing. Allele origin: germline.
Comment: For these reasons, this variant has been classified as Pathogenic. This variant has not been reported in the literature in individuals affected with PAX2-related conditions. This variant is not present in population databases (gnomAD no frequency). This sequence change creates a premature translational stop signal (p.Gly76Alafs*7) in the PAX2 gene. It is expected to result in an absent or disrupted protein product. Loss-of-function variants in PAX2 are known to be pathogenic (PMID: 11461952, 24676634).

Literature cited by the submitters: PubMed 11461952; PubMed 24676634.